The following is an entry in ClinVar:

ClinVar aggregate classification (germline): Uncertain significance (1 of 4 stars; one submission).

Conditions:
Hereditary insensitivity to pain with anhidrosis (CIPA). Also called: FAMILIAL DYSAUTONOMIA, TYPE II; NEUROPATHY, CONGENITAL SENSORY, WITH ANHIDROSIS; INSENSITIVITY TO PAIN, CONGENITAL, WITH ANHIDROSIS; hereditary sensory and autonomic neuropathy type 4; HSAN Type IV; NTRK1 Congenital Insensitivity to Pain with Anhidrosis. Identifiers: Orphanet 642, MedGen C0020074, MONDO:0009746, OMIM 256800.

Submission:

Labcorp Genetics (formerly Invitae), Labcorp
Classification: Uncertain significance for Hereditary insensitivity to pain with anhidrosis. Last evaluated: 2019-06-17. Review status: criteria provided, single submitter. Criteria: Invitae Variant Classification Sherloc (09022015). Collection method: clinical testing. Allele origin: germline.
Comment: In summary, the available evidence is currently insufficient to determine the role of this variant in disease. Therefore, it has been classified as a Variant of Uncertain Significance. Algorithms developed to predict the effect of missense changes on protein structure and function (SIFT, PolyPhen-2, Align-GVGD) all suggest that this variant is likely to be tolerated, but these predictions have not been confirmed by published functional studies and their clinical significance is uncertain. This variant has not been reported in the literature in individuals with NTRK1-related conditions. This variant is not present in population databases (ExAC no frequency). This sequence change replaces glycine with alanine at codon 467 of the NTRK1 protein (p.Gly467Ala). The glycine residue is moderately conserved and there is a small physicochemical difference between glycine and alanine.

NM_002529.4(NTRK1):c.1418G>C (p.Gly473Ala)

Gene: NTRK1 (neurotrophic receptor tyrosine kinase 1; plus strand). Cytogenetic location: 1q23.1.
Variant type: single nucleotide variant.
Coding change: c.1418G>C on transcript NM_002529.4 (MANE Select); coding-DNA position 1418, G replaced by C.
Protein change: p.Gly473Ala; replaces glycine 473 with alanine.
Molecular consequence: missense variant.
Genome position (GRCh38, 1-based): chr1:156,875,583, G>C. VCF-style: chr1-156875583-G-C. GRCh37 (hg19) VCF-style: chr1-156845375-G-C.
Other names: c.1310G>C, p.Gly437Ala (NM_001007792.1); c.1400G>C, p.Gly467Ala (NM_001012331.2); short protein forms G473A, G437A, G467A.
Identifiers: ClinVar variation 941976 (VCV000941976.9), dbSNP rs1239229213, ClinGen allele CA342937400.